The following is an entry in ClinVar:

ClinVar aggregate classification (germline): Pathogenic/Likely pathogenic. Review status: criteria provided, multiple submitters, no conflicts (2 of 4 stars). 10 submissions from 10 submitters: Pathogenic (2); Likely pathogenic (4). 4 of the submissions do not count toward it. Last evaluated 2025-05-28.

Conditions:
Hereditary cancer-predisposing syndrome. Also called: Neoplastic Syndromes, Hereditary; Tumor predisposition; Hereditary neoplastic syndrome; Hereditary Cancer Syndrome. Identifiers: Orphanet 140162, MedGen C0027672, MeSH D009386, MONDO:0015356.
Hereditary breast ovarian cancer syndrome. Also called: Hereditary breast and ovarian cancer syndrome; Hereditary breast and ovarian cancer; Hereditary breast and ovarian cancer syndrome (HBOC); Breast and ovarian cancer; Hereditary breast and/or ovarian cancer syndrome; BRCA1- and BRCA2-Associated Hereditary Breast and Ovarian Cancer. Identifiers: Orphanet 145, MedGen C0677776, MeSH D061325, MONDO:0003582. Disease mechanism: loss of function.
BRCA2-related disorder. Also called: BRCA2-related condition; BRCA2-related disorders. Identifiers: MedGen CN239275.
Breast-ovarian cancer, familial, susceptibility to, 2 (BROVCA2). Also called: BRCA2 Hereditary Breast and Ovarian Cancer. Identifiers: Orphanet 145, MedGen C2675520, MONDO:0012933, OMIM 612555. Disease mechanism: loss of function.

Submissions (10):

Labcorp Genetics (formerly Invitae), Labcorp
Classification: Likely pathogenic for Hereditary breast ovarian cancer syndrome. Last evaluated: 2025-05-28. Review status: criteria provided, single submitter. Criteria: Invitae Variant Classification Sherloc (09022015). Collection method: clinical testing. Allele origin: germline.
Comment: This sequence change replaces leucine, which is neutral and non-polar, with proline, which is neutral and non-polar, at codon 2647 of the BRCA2 protein (p.Leu2647Pro). This variant is not present in population databases (gnomAD no frequency). This missense change has been observed in individual(s) with a personal and/or family history of breast and/or ovarian cancer (PMID: 23108138, 25447315). ClinVar contains an entry for this variant (Variation ID: 52443). Invitae Evidence Modeling incorporating data from in vitro experimental studies (PMID: 33609447) indicates that this missense variant is expected to disrupt BRCA2 function with a positive predictive value of 95%. Experimental studies have shown that this missense change affects BRCA2 function (PMID: 18451181, 23108138, 29884841, 29988080, 32444794, 33964450, 35736817). Studies have shown that this missense change does not affect mRNA splicing (PMID: 28339459, 33964450; internal data). In summary, the currently available evidence indicates that the variant is pathogenic, but additional data are needed to prove that conclusively. Therefore, this variant has been classified as Likely Pathogenic.

Color Diagnostics, LLC DBA Color Health
Classification: Likely pathogenic for Hereditary cancer-predisposing syndrome. Last evaluated: 2024-09-17. Review status: criteria provided, single submitter. Criteria: ACMG Guidelines, 2015. Collection method: clinical testing. Allele origin: germline.
Comment: This missense variant replaces leucine with proline at codon 2647 of the BRCA2 protein. Computational prediction suggests that this variant may have deleterious impact on protein structure and function. Functional studies have reported that this variant impaired BRCA2 function in homology-directed repair assays (PMID: 23108138, 29394989, 30696104, 33609447, 35449176) and complementation of growth and PARP inhibitor sensitivity assays in Brca2-deficient mouse embryonic stem cells (PMID: 29988080, 32444794). This variant has been reported in families affected with breast and/or ovarian cancer (PMID: 18451181, 27062684). It also has been reported to segregate with disease (ClinVar accession: SCV000212960.8). This variant has not been identified in the general population by the Genome Aggregation Database (gnomAD). Based on the available evidence, this variant is classified as Likely Pathogenic.

Quest Diagnostics Nichols Institute San Juan Capistrano
Classification: Pathogenic. Last evaluated: 2024-03-12. Review status: criteria provided, single submitter. Criteria: Quest Diagnostics criteria. Collection method: clinical testing. Allele origin: unknown.
Comment: The BRCA2 c.7940T>C (p.Leu2647Pro) variant has been reported in the published literature in affected individuals/families with breast and/or ovarian cancer (PMIDs: 18451181 (2008), 23108138 (2013), and 25447315 (2014)). It was also reported in an affected individual with breast cancer in a large scale breast cancer association study (PMID: 33471991 (2021), see also LOVD (BRCA2)). Functional studies demonstrated that this variant is damaging to protein function (PMIDs: 18451181 (2008), 23108138 (2013), 24323938 (2014), 29394989 (2018), 29884841 (2019), 29988080 (2018), 33609447 (2021), and 35736817 (2022)). In addition, multifactorial likelihood analyses have shown that this variant is likely to be associated with disease (PMIDs: 18451181 (2008), 19043619 (2008), 21990134 (2012), and 23108138 (2013)). This variant has not been reported in large, multi-ethnic general populations (Genome Aggregation Database). Analysis of this variant using bioinformatics tools for the prediction of the effect of amino acid changes on protein structure and function yielded predictions that this variant is damaging. Based on the available information, this variant is classified as pathogenic.

PreventionGenetics, part of Exact Sciences
Classification: Likely pathogenic for BRCA2-related condition. Last evaluated: 2023-09-18. Review status: criteria provided, single submitter. Criteria: ACMG Guidelines, 2015. Collection method: clinical testing. Allele origin: germline.
Comment: The BRCA2 c.7940T>C variant is predicted to result in the amino acid substitution p.Leu2647Pro. This variant has been reported in individuals with BRCA2-related cancers (Farrugia et al. 2008. PubMed ID: 18451181; Table S2, Azzollini et al. 2016. PubMed ID: 27062684; Table S7, Lilyquist et al. 2017. PubMed ID: 28888541). Functional studies found this variant disrupts BRCA2 function (Farrugia et al. 2008. PubMed ID: 18451181; Guidugli et al. 2013. PubMed ID: 23108138; Table S1, Richardson et al. 2021. PubMed ID: 33609447). This variant has not been reported in a large population database, indicating this variant is rare. In ClinVar, this variant has conflicting interpretations of pathogenicity ranging from uncertain to pathogenic. This variant is interpreted as likely pathogenic.

Ambry Genetics
Classification: Pathogenic for Hereditary cancer-predisposing syndrome. Last evaluated: 2023-03-22. Review status: criteria provided, single submitter. Criteria: Ambry Variant Classification Scheme 2023. Collection method: clinical testing. Allele origin: germline.
Comment: The p.L2647P pathogenic mutation (also known as c.7940T>C), located in coding exon 16 of the BRCA2 gene, results from a T to C substitution at nucleotide position 7940. The leucine at codon 2647 is replaced by proline, an amino acid with similar properties. Using a computational method that produces a probabilistic likelihood ratio predictive of whether a missense variant impairs protein function, this alteration is predicted to be deleterious (Karchin R et al. Cancer Inform. 2008 Apr;6:203-16). In functional studies, this alteration has displayed reduced homology-directed DNA repair (HDR) and induced at least a 2-fold increase in the proportion of cells undergoing aberrant centriole amplification (Farrugia DJ, Cancer Res. 2008 May; 68:3523-31; Guidugli L et al. Am. J. Hum. Genet. 2018 02;102:233-248; Hart SN et al. Genet. Med. 2019 01;21:71-80). This variant segregated with disease in multiple families (Ambry internal data). This amino acid position is highly conserved in available vertebrate species. In addition, this alteration is predicted to be deleterious by in silico analysis. Based on the supporting evidence, this alteration is interpreted as a disease-causing mutation.

GeneDx
Classification: Likely pathogenic. Last evaluated: 2022-07-21. Review status: criteria provided, single submitter. Criteria: GeneDx Variant Classification Process June 2021. Collection method: clinical testing. Allele origin: germline. Affected: yes.
Comment: Published functional studies demonstrate a damaging effect: reduced homology-directed repair activity and aberrant centriole amplification (Farrugia et al., 2008; Guidugli et al., 2018; Hart et al., 2019; Richardson et al., 2021); Observed in individuals with breast, ovarian, or prostate cancer (Farrugia et al., 2008; Azzollini et al., 2016; Secondino et al., 2022); Not observed at a significant frequency in large population cohorts (gnomAD); In silico analysis supports that this missense variant does not alter protein structure/function; Also known as 8168T>C; This variant is associated with the following publications: (PMID: 19043619, 25447315, 28339459, 23108138, 24323938, 21990165, 21990134, 29394989, 29988080, 32444794, 30696104, 29969168, 28866612, 28277317, 29884841, 12228710, 34906479, 35456488, 18451181, 33609447, 27062684, 33964450)

Sharing Clinical Reports Project (SCRP)
Classification: Uncertain significance for Breast-ovarian cancer, familial 2. Last evaluated: 2010-09-30. Review status: no assertion criteria provided. Collection method: clinical testing. Allele origin: germline. Not counted in ClinVar's aggregate classification.

Breast Cancer Information Core (BIC) (BRCA2)
Classification: Uncertain significance for Breast-ovarian cancer, familial 2. Last evaluated: 2002-05-29. Review status: no assertion criteria provided. Collection method: clinical testing. Allele origin: germline. Affected: yes. Observed: 5 variant alleles. Not counted in ClinVar's aggregate classification.

Clinical Genetics Laboratory, Department of Pathology, Netherlands Cancer Institute
Classification: Likely pathogenic. Review status: no assertion criteria provided. Collection method: clinical testing. Allele origin: germline. Affected: yes. Study: VKGL Data-share Consensus. Not counted in ClinVar's aggregate classification.

Diagnostic Laboratory, Department of Genetics, University Medical Center Groningen
Classification: Likely pathogenic for Breast-ovarian cancer, familial, susceptibility to, 2. Review status: no assertion criteria provided. Collection method: clinical testing. Allele origin: germline. Affected: yes. Study: VKGL Data-share Consensus. Not counted in ClinVar's aggregate classification.

Literature cited by the submitters: PubMed 23108138 (cited by 4 submitters); PubMed 25447315 (cited by Labcorp Genetics (formerly Invitae), Labcorp and Quest Diagnostics Nichols Institute San Juan Capistrano); PubMed 33609447 (cited by 3 submitters); PubMed 18451181 (cited by 4 submitters); PubMed 29884841 (cited by 3 submitters); PubMed 29988080 (cited by 4 submitters); PubMed 32444794 (cited by 3 submitters); PubMed 33964450 (cited by Labcorp Genetics (formerly Invitae), Labcorp and Quest Diagnostics Nichols Institute San Juan Capistrano); PubMed 35736817 (cited by Labcorp Genetics (formerly Invitae), Labcorp and Quest Diagnostics Nichols Institute San Juan Capistrano); PubMed 28339459 (cited by 3 submitters); PubMed 27062684 (cited by Color Diagnostics, LLC DBA Color Health); PubMed 29394989 (cited by 3 submitters); PubMed 30696104 (cited by Color Diagnostics, LLC DBA Color Health); PubMed 35449176 (cited by Color Diagnostics, LLC DBA Color Health); PubMed 24323938 (cited by Quest Diagnostics Nichols Institute San Juan Capistrano); PubMed 21990134 (cited by Quest Diagnostics Nichols Institute San Juan Capistrano and Ambry Genetics); PubMed 19043619 (cited by Quest Diagnostics Nichols Institute San Juan Capistrano and Ambry Genetics); PubMed 33471991 (cited by Quest Diagnostics Nichols Institute San Juan Capistrano); PubMed 21990165 (cited by Ambry Genetics).

NM_000059.4(BRCA2):c.7940T>C (p.Leu2647Pro)

Gene: BRCA2 (BRCA2 DNA repair associated; plus strand). Cytogenetic location: 13q13.1.
Variant type: single nucleotide variant.
Coding change: c.7940T>C on transcript NM_000059.4 (MANE Select); coding-DNA position 7940, T replaced by C.
Protein change: p.Leu2647Pro; replaces leucine 2647 with proline.
Molecular consequence: missense variant.
Genome position (GRCh38, 1-based): chr13:32,362,657, T>C. VCF-style: chr13-32362657-T-C. GRCh37 (hg19) VCF-style: chr13-32936794-T-C.
Other names: 8168T>C; short protein forms L2647P.
Identifiers: ClinVar variation 52443 (VCV000052443.28), dbSNP rs80359021, ClinGen allele CA025346.